The following is an entry in ClinVar:

NM_015909.4(NBAS):c.4267A>G (p.Thr1423Ala)

Gene: NBAS (NBAS subunit of NRZ tethering complex; minus strand). Cytogenetic location: 2p24.3.
Variant type: single nucleotide variant.
Coding change: c.4267A>G on transcript NM_015909.4 (MANE Select); coding-DNA position 4267, A replaced by G.
Protein change: p.Thr1423Ala; replaces threonine 1423 with alanine.
Molecular consequence: missense variant. On other transcripts: non-coding transcript variant (1).
Genome position (GRCh38, 1-based): chr2:15,330,678, T>C on the plus strand (A>G on the coding strand, the complement: NBAS is on the minus strand). VCF-style: chr2-15330678-T-C. GRCh37 (hg19) VCF-style: chr2-15470802-T-C.
Other names: short protein forms T1423A.
Identifiers: ClinVar variation 1963941 (VCV001963941.2), dbSNP rs765369356, ClinGen allele CA1535720.

ClinVar aggregate classification (germline): Uncertain significance (1 of 4 stars; one submission).

Allele frequency attached by ClinVar (database versions not stated): TOPMed below 0.00001; ExAC 0.00001; gnomAD 0.00001; gnomAD exomes 0.00003.
gnomAD v4.1: 48 of 1,613,942 alleles (0.003%); highest among the groups gnomAD compares: Non-Finnish European, 0.0039%; no homozygotes.

Submission:

Labcorp Genetics (formerly Invitae), Labcorp
Classification: Uncertain significance. Last evaluated: 2022-04-04. Review status: criteria provided, single submitter. Criteria: Invitae Variant Classification Sherloc (09022015). Collection method: clinical testing. Allele origin: germline.
Comment: This sequence change replaces threonine, which is neutral and polar, with alanine, which is neutral and non-polar, at codon 1423 of the NBAS protein (p.Thr1423Ala). This variant is present in population databases (rs765369356, gnomAD 0.003%). This variant has not been reported in the literature in individuals affected with NBAS-related conditions. Algorithms developed to predict the effect of missense changes on protein structure and function are either unavailable or do not agree on the potential impact of this missense change (SIFT: "Deleterious"; PolyPhen-2: "Benign"; Align-GVGD: "Class C55"). In summary, the available evidence is currently insufficient to determine the role of this variant in disease. Therefore, it has been classified as a Variant of Uncertain Significance.